The following is an entry in ClinVar:

ClinVar aggregate classification (germline): Uncertain significance (1 of 4 stars; one submission).

Conditions:
Spastic paraplegia. Identifiers: MedGen C0037772, HP:0001258.

Allele frequency attached by ClinVar (database versions not stated): ExAC 0.00001.

Submission:

Labcorp Genetics (formerly Invitae), Labcorp
Classification: Uncertain significance for Spastic paraplegia. Last evaluated: 2025-09-29. Review status: criteria provided, single submitter. Criteria: Invitae Variant Classification Sherloc (09022015). Collection method: clinical testing. Allele origin: germline.
Comment: This sequence change replaces leucine, which is neutral and non-polar, with valine, which is neutral and non-polar, at codon 397 of the HSPD1 protein (p.Leu397Val). This variant is not present in population databases (gnomAD no frequency). This variant has not been reported in the literature in individuals affected with HSPD1-related conditions. ClinVar contains an entry for this variant (Variation ID: 2045971). Invitae Evidence Modeling of protein sequence and biophysical properties (such as structural, functional, and spatial information, amino acid conservation, physicochemical variation, residue mobility, and thermodynamic stability) indicates that this missense variant is expected to disrupt HSPD1 protein function with a positive predictive value of 80%. In summary, the available evidence is currently insufficient to determine the role of this variant in disease. Therefore, it has been classified as a Variant of Uncertain Significance.

NM_002156.5(HSPD1):c.1189C>G (p.Leu397Val)

Gene: HSPD1 (heat shock protein family D (Hsp60) member 1; minus strand). Cytogenetic location: 2q33.1.
Variant type: single nucleotide variant.
Coding change: c.1189C>G on transcript NM_002156.5 (MANE Select); coding-DNA position 1189, C replaced by G.
Protein change: p.Leu397Val; replaces leucine 397 with valine.
Molecular consequence: missense variant.
Genome position (GRCh38, 1-based): chr2:197,489,028, G>C on the plus strand (C>G on the coding strand, the complement: HSPD1 is on the minus strand). VCF-style: chr2-197489028-G-C. GRCh37 (hg19) VCF-style: chr2-198353752-G-C.
Other names: c.1189C>G, p.Leu397Val (NM_199440.2); short protein forms L397V.
Identifiers: ClinVar variation 2045971 (VCV002045971.4), dbSNP rs763822262, ClinGen allele CA2043416.
Genomic context (GRCh38, chr2:197,489,028, plus strand): 5'-ACCCAAGAAACTTATTCATAATAATGAATGTTACCTTCAGCACAGCCACTCCATCTGAAA[G>C]TTTTGCAAGCCGTTCATTCAGTTTTTCCTTTTCATATTCACTAGTTGTGACATCTAACTG-3'
Protein context (NP_002147.2, residues 387-407): KEKLNERLAK[Leu397Val]SDGVAVLKVG